The following is an entry in ClinVar:

ClinVar aggregate classification (germline): Uncertain significance. Review status: criteria provided, multiple submitters, no conflicts (2 of 4 stars). 2 submissions from 2 submitters: Uncertain significance (2). Last evaluated 2024-07-04.

Conditions:
Cardiovascular phenotype. Identifiers: MedGen CN230736.

Submissions (2):

Ambry Genetics
Classification: Uncertain significance for Cardiovascular phenotype. Last evaluated: 2024-07-04. Review status: criteria provided, single submitter. Criteria: Ambry Variant Classification Scheme 2023. Collection method: clinical testing. Allele origin: germline.
Comment: The p.W1846S variant (also known as c.5537G>C), located in coding exon 2 of the ZNF469 gene, results from a G to C substitution at nucleotide position 5537. The tryptophan at codon 1846 is replaced by serine, an amino acid with highly dissimilar properties. This amino acid position is conserved. In addition, this alteration is predicted to be tolerated by in silico analysis. Based on the available evidence, the clinical significance of this variant remains unclear.

GeneDx
Classification: Uncertain significance. Last evaluated: 2019-02-27. Review status: criteria provided, single submitter. Criteria: GeneDx Variant Classification Process June 2021. Collection method: clinical testing. Allele origin: germline. Affected: yes.

NM_001367624.2(ZNF469):c.5621G>C (p.Trp1874Ser)

Gene: ZNF469 (zinc finger protein 469; plus strand). Cytogenetic location: 16q24.2.
Variant type: single nucleotide variant.
Coding change: c.5621G>C on transcript NM_001367624.2 (MANE Select); coding-DNA position 5621, G replaced by C.
Protein change: p.Trp1874Ser; replaces tryptophan 1874 with serine.
Molecular consequence: missense variant.
Genome position (GRCh38, 1-based): chr16:88,433,091, G>C. VCF-style: chr16-88433091-G-C. GRCh37 (hg19) VCF-style: chr16-88499499-G-C.
Other names: NM_001127464.1:c.5537G>C; short protein forms W1874S.
Identifiers: ClinVar variation 1306934 (VCV001306934.3), dbSNP rs2142308172, ClinGen allele CA397101670.